The following is an entry in ClinVar:

ClinVar aggregate classification (germline): Uncertain significance. Review status: criteria provided, multiple submitters, no conflicts (2 of 4 stars). 2 submissions from 2 submitters: Uncertain significance (2). Last evaluated 2025-08-23.

Allele frequency attached by ClinVar (database versions not stated): gnomAD exomes below 0.00001; TOPMed below 0.00001; ExAC 0.00001; gnomAD 0.00001.
gnomAD v4.1: 7 of 1,613,872 alleles (0.00043%); highest among the groups gnomAD compares: Middle Eastern, 0.016%; no homozygotes.

Submissions (2):

Ambry Genetics
Classification: Uncertain significance. Last evaluated: 2025-08-23. Review status: criteria provided, single submitter. Criteria: Ambry Variant Classification Scheme 2023. Collection method: clinical testing. Allele origin: germline.

Labcorp Genetics (formerly Invitae), Labcorp
Classification: Uncertain significance. Last evaluated: 2023-08-30. Review status: criteria provided, single submitter. Criteria: Invitae Variant Classification Sherloc (09022015). Collection method: clinical testing. Allele origin: germline.
Comment: In summary, the available evidence is currently insufficient to determine the role of this variant in disease. Therefore, it has been classified as a Variant of Uncertain Significance. Algorithms developed to predict the effect of sequence changes on RNA splicing suggest that this variant may disrupt the consensus splice site. An algorithm developed to predict the effect of missense changes on protein structure and function (PolyPhen-2) suggests that this variant is likely to be disruptive. ClinVar contains an entry for this variant (Variation ID: 1483756). This variant has not been reported in the literature in individuals affected with ITGAM-related conditions. This variant is present in population databases (rs766743329, gnomAD 0.0009%). This sequence change replaces cysteine, which is neutral and slightly polar, with arginine, which is basic and polar, at codon 1032 of the ITGAM protein (p.Cys1032Arg).

NM_000632.4(ITGAM):c.3094T>C (p.Cys1032Arg)

Gene: ITGAM (integrin subunit alpha M; plus strand). Cytogenetic location: 16p11.2.
Variant type: single nucleotide variant.
Coding change: c.3094T>C on transcript NM_000632.4 (MANE Select); coding-DNA position 3094, T replaced by C.
Protein change: p.Cys1032Arg; replaces cysteine 1032 with arginine.
Molecular consequence: missense variant.
Genome position (GRCh38, 1-based): chr16:31,330,341, T>C. VCF-style: chr16-31330341-T-C. GRCh37 (hg19) VCF-style: chr16-31341662-T-C.
Other names: c.3097T>C, p.Cys1033Arg (NM_001145808.2); c.3094T>C (NM_000632.3); short protein forms C1032R, C1033R.
Identifiers: ClinVar variation 1483756 (VCV001483756.9), dbSNP rs766743329, ClinGen allele CA8026082.
Genomic context (GRCh38, chr16:31,330,341, plus strand): 5'-CGTCCCCTCCCCTCCTGCGTTCCCCAGAACTGCTCCATCGCTGTCTGCCAGAGAATCCAG[T>C]GTGACATCCCGTTCTTTGGCATCCAGGAAGAATTCAATGCTACCCTCAAAGGCAACCTCT-3'
Protein context (NP_000623.2, residues 1022-1042): CSIAVCQRIQ[Cys1032Arg]DIPFFGIQEE